The following is an entry in ClinVar:

ClinVar aggregate classification (germline): Uncertain significance (1 of 4 stars; one submission).

Conditions:
Dilated cardiomyopathy 1J (CMD1J). Also called: CARDIOMYOPATHY, DILATED, WITH SENSORINEURAL HEARING LOSS, AUTOSOMAL DOMINANT. Identifiers: Orphanet 217622, MedGen C1854368, MONDO:0011541, OMIM 605362.

Submission:

Labcorp Genetics (formerly Invitae), Labcorp
Classification: Uncertain significance for Dilated cardiomyopathy 1J. Last evaluated: 2023-03-07. Review status: criteria provided, single submitter. Criteria: Invitae Variant Classification Sherloc (09022015). Collection method: clinical testing. Allele origin: germline.
Comment: This variant is not present in population databases (gnomAD no frequency). In summary, the available evidence is currently insufficient to determine the role of this variant in disease. Therefore, it has been classified as a Variant of Uncertain Significance. Advanced modeling of protein sequence and biophysical properties (such as structural, functional, and spatial information, amino acid conservation, physicochemical variation, residue mobility, and thermodynamic stability) performed at Invitae indicates that this missense variant is not expected to disrupt EYA4 protein function. This variant has not been reported in the literature in individuals affected with EYA4-related conditions. This sequence change replaces tyrosine, which is neutral and polar, with phenylalanine, which is neutral and non-polar, at codon 310 of the EYA4 protein (p.Tyr310Phe).

NM_004100.5(EYA4):c.929A>T (p.Tyr310Phe)

Gene: EYA4 (EYA transcriptional coactivator and phosphatase 4; plus strand). Cytogenetic location: 6q23.2.
Variant type: single nucleotide variant.
Coding change: c.929A>T on transcript NM_004100.5 (MANE Select); coding-DNA position 929, A replaced by T.
Protein change: p.Tyr310Phe; replaces tyrosine 310 with phenylalanine.
Molecular consequence: missense variant.
Genome position (GRCh38, 1-based): chr6:133,468,690, A>T. VCF-style: chr6-133468690-A-T. GRCh37 (hg19) VCF-style: chr6-133789828-A-T.
Other names: c.767A>T, p.Tyr256Phe (NM_001301012.2, NM_001370459.1); c.929A>T, p.Tyr310Phe (NM_001301013.2, NM_172105.4); c.860A>T, p.Tyr287Phe (NM_001370458.1, NM_172103.4); short protein forms Y256F, Y287F, Y310F.
Identifiers: ClinVar variation 2843557 (VCV002843557.3), dbSNP rs1795059885, ClinGen allele CA365703802.
Genomic context (GRCh38, chr6:133,468,690, plus strand): 5'-ATGGAGCGTATATGACATCGAATAACACAGCCGATGGCACACCCTCTTCAACCTCTACTT[A>T]TCAGTTGCAGGAATCTCTCCCAGGACTGACTAACCAACCAGGTACAGATCTTCACCCAGG-3'
Protein context (NP_004091.3, residues 300-320): ADGTPSSTST[Tyr310Phe]QLQESLPGLT